The following is an entry in ClinVar:

NM_017760.7(NCAPG2):c.537+4T>C

Gene: NCAPG2 (non-SMC condensin II complex subunit G2; minus strand). Cytogenetic location: 7q36.3.
Variant type: single nucleotide variant.
Coding change: c.537+4T>C on transcript NM_017760.7 (MANE Select); 4 bases into the intron after coding-DNA position 537, T replaced by C.
Molecular consequence: intron variant.
Genome position (GRCh38, 1-based): chr7:158,690,564, A>G on the plus strand (T>C on the coding strand, the complement: NCAPG2 is on the minus strand). VCF-style: chr7-158690564-A-G. GRCh37 (hg19) VCF-style: chr7-158483256-A-G.
Other names: c.537+4T>C (NM_001281932.2, NM_001281933.2).
Identifiers: ClinVar variation 709876 (VCV000709876.6), dbSNP rs7794491, ClinGen allele CA4593120.
Genomic context (GRCh38, chr7:158,690,564, plus strand): 5'-CACTGCACTCCATCTGGGCAATAGAGAGAGACCCTGTCTTTAAAAAAATAAAAAGTGAGC[A>G]TACTGTCTTAGTCTCCAGACTCCTCCTTAGTAACATGACAAAGGCTGTCTTTCCTGTGTC-3'

ClinVar aggregate classification (germline): Benign. Review status: criteria provided, multiple submitters, no conflicts (2 of 4 stars). 3 submissions from 3 submitters: Benign (2). 1 of the submissions does not count toward it. Last evaluated 2018-05-18.

Conditions:
NCAPG2-related disorder. Also called: NCAPG2-related condition.

Allele frequency attached by ClinVar (database versions not stated): gnomAD exomes 0.00160 and 0.00417; ExAC 0.00504; gnomAD 0.01626 and 0.01721; ESP Exome Variant Server 0.01671; TOPMed 0.01809; 1000 Genomes Project 0.01817; 1000 Genomes Project 30x 0.01921.
gnomAD v4.1: 4,908 of 1,612,846 alleles (0.3%); highest among the groups gnomAD compares: African/African-American, 5.5%; 118 homozygotes.

Submissions (3):

Labcorp Genetics (formerly Invitae), Labcorp
Classification: Benign. Last evaluated: 2018-05-18. Review status: criteria provided, single submitter. Criteria: Invitae Variant Classification Sherloc (09022015). Collection method: clinical testing. Allele origin: germline.

Breakthrough Genomics
Classification: Benign. Review status: criteria provided, single submitter. Criteria: ACMG Guidelines, 2015. Collection method: not provided. Allele origin: germline. Inheritance: Autosomal recessive inheritance. Affected: yes.

PreventionGenetics, part of Exact Sciences
Classification: Benign for NCAPG2-related condition. Last evaluated: 2019-07-11. Review status: no assertion criteria provided. Collection method: clinical testing. Allele origin: germline. Not counted in ClinVar's aggregate classification.
Comment: This variant is classified as benign based on ACMG/AMP sequence variant interpretation guidelines (Richards et al. 2015 PMID: 25741868, with internal and published modifications).